The following is an entry in ClinVar:

NM_005956.4(MTHFD1):c.2213T>C (p.Leu738Ser)

Gene: MTHFD1 (methylenetetrahydrofolate dehydrogenase, cyclohydrolase and formyltetrahydrofolate synthetase 1; plus strand). Cytogenetic location: 14q23.3.
Variant type: single nucleotide variant.
Coding change: c.2213T>C on transcript NM_005956.4 (MANE Select); coding-DNA position 2213, T replaced by C.
Protein change: p.Leu738Ser; replaces leucine 738 with serine.
Molecular consequence: missense variant.
Genome position (GRCh38, 1-based): chr14:64,448,251, T>C. VCF-style: chr14-64448251-T-C. GRCh37 (hg19) VCF-style: chr14-64914969-T-C.
Other names: c.2213T>C, p.Leu738Ser (NM_001364837.1); short protein forms L738S.
Identifiers: ClinVar variation 2099673 (VCV002099673.4), dbSNP rs2550506334, ClinGen allele CA390001535.
Genomic context (GRCh38, chr14:64,448,251, plus strand): 5'-TAGGCCTTTCACTGTTGTTTTTACAGAACCTGGAGCTGGTTGAAAAAGGCTTCAGTAACT[T>C]GAAGAAACAAATTGAAAATGCCAGAATGTTTGGAATTCCAGTAGTAGTGGCCGTGAATGC-3'
Protein context (NP_005947.3, residues 728-748): LELVEKGFSN[Leu738Ser]KKQIENARMF

ClinVar aggregate classification (germline): Uncertain significance (1 of 4 stars; one submission).

Submission:

Labcorp Genetics (formerly Invitae), Labcorp
Classification: Uncertain significance. Last evaluated: 2022-05-20. Review status: criteria provided, single submitter. Criteria: Invitae Variant Classification Sherloc (09022015). Collection method: clinical testing. Allele origin: germline.
Comment: In summary, the available evidence is currently insufficient to determine the role of this variant in disease. Therefore, it has been classified as a Variant of Uncertain Significance. Algorithms developed to predict the effect of missense changes on protein structure and function are either unavailable or do not agree on the potential impact of this missense change (SIFT: "Deleterious"; PolyPhen-2: "Probably Damaging"; Align-GVGD: "Class C0"). This variant has not been reported in the literature in individuals affected with MTHFD1-related conditions. This variant is not present in population databases (gnomAD no frequency). This sequence change replaces leucine, which is neutral and non-polar, with serine, which is neutral and polar, at codon 738 of the MTHFD1 protein (p.Leu738Ser).